The following is an entry in ClinVar:

NM_015466.4(PTPN23):c.3371C>T (p.Pro1124Leu)

Gene: PTPN23 (protein tyrosine phosphatase non-receptor type 23; plus strand). Cytogenetic location: 3p21.31.
Variant type: single nucleotide variant.
Coding change: c.3371C>T on transcript NM_015466.4 (MANE Select); coding-DNA position 3371, C replaced by T.
Protein change: p.Pro1124Leu; replaces proline 1124 with leucine.
Molecular consequence: missense variant.
Genome position (GRCh38, 1-based): chr3:47,411,169, C>T. VCF-style: chr3-47411169-C-T. GRCh37 (hg19) VCF-style: chr3-47452659-C-T.
Other names: c.2993C>T, p.Pro998Leu (NM_001304482.2); short protein forms P998L, P1124L.
Identifiers: ClinVar variation 1470848 (VCV001470848.7), dbSNP rs768061261, ClinGen allele CA2366263.

ClinVar aggregate classification (germline): Uncertain significance (1 of 4 stars; one submission).

Allele frequency attached by ClinVar (database versions not stated): gnomAD exomes 0.00001 and 0.00003; TOPMed 0.00002; ExAC 0.00003; gnomAD 0.00004.
gnomAD v4.1: 25 of 1,602,136 alleles (0.0016%); highest among the groups gnomAD compares: South Asian, 0.0055%; no homozygotes.

Submission:

Labcorp Genetics (formerly Invitae), Labcorp
Classification: Uncertain significance. Last evaluated: 2024-12-02. Review status: criteria provided, single submitter. Criteria: Invitae Variant Classification Sherloc (09022015). Collection method: clinical testing. Allele origin: germline.
Comment: This sequence change replaces proline, which is neutral and non-polar, with leucine, which is neutral and non-polar, at codon 1124 of the PTPN23 protein (p.Pro1124Leu). This variant is present in population databases (rs768061261, gnomAD 0.007%). This variant has not been reported in the literature in individuals affected with PTPN23-related conditions. ClinVar contains an entry for this variant (Variation ID: 1470848). An algorithm developed to predict the effect of missense changes on protein structure and function (PolyPhen-2) suggests that this variant is likely to be disruptive. In summary, the available evidence is currently insufficient to determine the role of this variant in disease. Therefore, it has been classified as a Variant of Uncertain Significance.